The following is an entry in ClinVar:

ClinVar aggregate classification (germline): Likely benign. Review status: criteria provided, multiple submitters, no conflicts (2 of 4 stars). 3 submissions from 3 submitters: Likely benign (2). 1 of the submissions does not count toward it. Last evaluated 2025-12-14.

Conditions:
Cohen syndrome (COH1). Also called: Cutis verticis gyrata, retinitis pigmentosa, and sensorineural deafness; PEPPER SYNDROME. Identifiers: Orphanet 193, MedGen C0265223, MONDO:0008999, OMIM 216550.
VPS13B-related disorder. Also called: VPS13B-related condition.

Allele frequency attached by ClinVar (database versions not stated): gnomAD 0.00001; ExAC 0.00002; TOPMed 0.00002; gnomAD exomes 0.00004 and 0.00005.

Submissions (3):

Labcorp Genetics (formerly Invitae), Labcorp
Classification: Likely benign for Cohen syndrome. Last evaluated: 2025-12-14. Review status: criteria provided, single submitter. Criteria: Invitae Variant Classification Sherloc (09022015). Collection method: clinical testing. Allele origin: germline.

Blueprint Genetics
Classification: Likely benign. Last evaluated: 2024-08-22. Review status: criteria provided, single submitter. Criteria: ACMG Guidelines, 2015. Collection method: clinical testing. Allele origin: germline.

PreventionGenetics, part of Exact Sciences
Classification: Likely benign for VPS13B-related condition. Last evaluated: 2022-03-02. Review status: no assertion criteria provided. Collection method: clinical testing. Allele origin: germline. Not counted in ClinVar's aggregate classification.
Comment: This variant is classified as likely benign based on ACMG/AMP sequence variant interpretation guidelines (Richards et al. 2015 PMID: 25741868, with internal and published modifications).

NM_152564.5(VPS13B):c.4950-10dup

Gene: VPS13B (vacuolar protein sorting 13 homolog B; plus strand). Cytogenetic location: 8q22.2.
Variant type: Duplication.
Coding change: c.4950-10dup on transcript NM_152564.5 (MANE Select); 10 bases into the intron before coding-DNA position 4950, one base duplicated (T; older notation c.4950-10dupT).
Molecular consequence: intron variant.
Genome position (GRCh38, 1-based): chr8:99,575,648, T duplicated. VCF-style (leftmost placement, unchanged base first): chr8-99575647-C-CT. GRCh37 (hg19) VCF-style: chr8-100587875-C-CT.
Other names: c.4950-10dupT (NM_152564.4); c.5025-10dup (NM_017890.5).
Identifiers: ClinVar variation 1545880 (VCV001545880.11), dbSNP rs761293145, ClinGen allele CA4823702.
Genomic context (GRCh38, chr8:99,575,647, plus strand): 5'-TTGTACAAATTTAATGAAAATTGTCTTTGAAAATAATGAAATGGCTAATAATCTTTTACT[C>CT]TATCTTTTAGCATACGGCGGCATCAAGAAAGGAGAGCAATTTTGACCCCCGTTTTGACAG-3'